The following is an entry in ClinVar:

NM_001046.3(SLC12A2):c.2506T>C (p.Ser836Pro)

Gene: SLC12A2 (solute carrier family 12 member 2; plus strand). Cytogenetic location: 5q23.3.
Variant type: single nucleotide variant.
Coding change: c.2506T>C on transcript NM_001046.3 (MANE Select); coding-DNA position 2506, T replaced by C.
Protein change: p.Ser836Pro; replaces serine 836 with proline.
Molecular consequence: missense variant. On other transcripts: non-coding transcript variant (1).
Genome position (GRCh38, 1-based): chr5:128,161,690, T>C. VCF-style: chr5-128161690-T-C. GRCh37 (hg19) VCF-style: chr5-127497382-T-C.
Other names: c.2506T>C, p.Ser836Pro (NM_001256461.2); short protein forms S836P.
Identifiers: ClinVar variation 2631700 (VCV002631700.1), dbSNP rs1449525499, ClinGen allele CA360751308.

ClinVar aggregate classification (germline): Uncertain significance (1 of 4 stars; one submission).

Conditions:
SLC12A2-related disorder. Also called: SLC12A2-related disorders; SLC12A2-related condition.

Allele frequency attached by ClinVar (database versions not stated): TOPMed 0.00001; gnomAD 0.00003.

Submission:

PreventionGenetics, part of Exact Sciences
Classification: Uncertain significance for SLC12A2-related condition. Last evaluated: 2023-08-25. Review status: criteria provided, single submitter. Criteria: ACMG Guidelines, 2015. Collection method: clinical testing. Allele origin: germline.
Comment: The SLC12A2 c.2506T>C variant is predicted to result in the amino acid substitution p.Ser836Pro. To our knowledge, this variant has not been reported in the literature or in a large population database, indicating this variant is rare. At this time, the clinical significance of this variant is uncertain due to the absence of conclusive functional and genetic evidence.